The following is an entry in ClinVar:

ClinVar aggregate classification (germline): Uncertain significance (1 of 4 stars; one submission).

Conditions:
Cryptozoospermia. Identifiers: MedGen C3279550, HP:0030974.

Allele frequency attached by ClinVar (database versions not stated): gnomAD exomes below 0.00001; TOPMed below 0.00001.
gnomAD v4.1: 1 of 1,465,466 alleles (0.000068%); highest among the groups gnomAD compares: Non-Finnish European, 0.00009%; no homozygotes.

Submission:

Institute of Reproductive Genetics, University of Münster
Classification: Uncertain significance for Cryptozoospermia. Last evaluated: 2021-03-01. Review status: criteria provided, single submitter. Criteria: ACMG Guidelines, 2015. Collection method: research. Allele origin: unknown. Inheritance: Autosomal unknown. Affected: yes. Observed: 1 variant allele, 1 heterozygote.
Comment: PM2, PP3

NM_001039111.3(TRIM71):c.368T>C (p.Val123Ala)

Gene: TRIM71 (tripartite motif containing 71; plus strand). Cytogenetic location: 3p22.3.
Variant type: single nucleotide variant.
Coding change: c.368T>C on transcript NM_001039111.3 (MANE Select); coding-DNA position 368, T replaced by C.
Protein change: p.Val123Ala; replaces valine 123 with alanine.
Molecular consequence: missense variant.
Genome position (GRCh38, 1-based): chr3:32,818,448, T>C. VCF-style: chr3-32818448-T-C. GRCh37 (hg19) VCF-style: chr3-32859940-T-C.
Other names: short protein forms V123A.
Identifiers: ClinVar variation 996341 (VCV000996341.3), dbSNP rs1696084349, ClinGen allele CA351985966.